The following is an entry in ClinVar:

ClinVar aggregate classification (germline): Conflicting classifications of pathogenicity. Review status: criteria provided, conflicting classifications (1 of 4 stars). 2 submissions from 2 submitters: Uncertain significance (1); Likely benign (1). Last evaluated 2025-12-08.

Conditions:
Cardiovascular phenotype. Identifiers: MedGen CN230736.
Dilated cardiomyopathy 1DD (CMD1DD). Identifiers: Orphanet 154, MedGen C2750995, MONDO:0013168, OMIM 613172.

Allele frequency attached by ClinVar (database versions not stated): TOPMed 0.00001; gnomAD 0.00006.
gnomAD v4.1: 8 of 1,551,540 alleles (0.00052%); highest among the groups gnomAD compares: East Asian, 0.015%; no homozygotes.

Submissions (2):

Labcorp Genetics (formerly Invitae), Labcorp
Classification: Likely benign for Dilated cardiomyopathy 1DD. Last evaluated: 2025-12-08. Review status: criteria provided, single submitter. Criteria: Invitae Variant Classification Sherloc (09022015). Collection method: clinical testing. Allele origin: germline.

Ambry Genetics
Classification: Uncertain significance for Cardiovascular phenotype. Last evaluated: 2023-08-23. Review status: criteria provided, single submitter. Criteria: Ambry Variant Classification Scheme 2023. Collection method: clinical testing. Allele origin: germline.
Comment: The p.L1082R variant (also known as c.3245T>G), located in coding exon 11 of the RBM20 gene, results from a T to G substitution at nucleotide position 3245. The leucine at codon 1082 is replaced by arginine, an amino acid with dissimilar properties. This alteration has been reported in a dilated cardiomyopathy (DCM) cohort; however, clinical details were limited (Mazzarotto F et al. Circulation, 2020 Feb;141:387-398). This amino acid position is not well conserved in available vertebrate species. In addition, this alteration is predicted to be tolerated by in silico analysis. Since supporting evidence is limited at this time, the clinical significance of this alteration remains unclear.

Literature cited by the submitters: PubMed 31983221 (cited by Ambry Genetics); PubMed 36303204 (cited by Ambry Genetics).

NM_001134363.3(RBM20):c.3245T>G (p.Leu1082Arg)

Gene: RBM20 (RNA binding motif protein 20; plus strand). Cytogenetic location: 10q25.2.
Variant type: single nucleotide variant.
Coding change: c.3245T>G on transcript NM_001134363.3 (MANE Select); coding-DNA position 3245, T replaced by G.
Protein change: p.Leu1082Arg; replaces leucine 1082 with arginine.
Molecular consequence: missense variant.
Genome position (GRCh38, 1-based): chr10:110,821,864, T>G. VCF-style: chr10-110821864-T-G. GRCh37 (hg19) VCF-style: chr10-112581622-T-G.
Other names: c.3245T>G (NM_001134363.1); short protein forms L1082R.
Identifiers: ClinVar variation 238552 (VCV000238552.10), dbSNP rs878854252, ClinGen allele CA10582708.